The following is an entry in ClinVar:

NM_003900.5(SQSTM1):c.1278G>A (p.Ala426=)

Gene: SQSTM1 (sequestosome 1; plus strand). Cytogenetic location: 5q35.3.
Variant type: single nucleotide variant.
Coding change: c.1278G>A on transcript NM_003900.5 (MANE Select); coding-DNA position 1278, G replaced by A.
Protein change: p.Ala426=; no amino-acid change (alanine 426 retained).
Molecular consequence: synonymous variant.
Genome position (GRCh38, 1-based): chr5:179,836,548, G>A. VCF-style: chr5-179836548-G-A. GRCh37 (hg19) VCF-style: chr5-179263548-G-A.
Other names: p.Ala426=; c.1026G>A, p.Ala342= (NM_001142298.2, NM_001142299.2).
Identifiers: ClinVar variation 475398 (VCV000475398.39), dbSNP rs143977783, ClinGen allele CA3600877.

ClinVar aggregate classification (germline): Likely benign. Review status: criteria provided, multiple submitters, no conflicts (2 of 4 stars). 6 submissions from 6 submitters: Likely benign (4). 2 of the submissions do not count toward it. Last evaluated 2026-07-01.

Conditions:
Paget disease of bone 2, early-onset (PDB2). Also called: Paget disease of bone 2. Identifiers: MedGen C4085251, MONDO:0011183, OMIM 602080.
Frontotemporal dementia and/or amyotrophic lateral sclerosis 1 (FTDALS1). Also called: Frontotemporal dementia with motor neuron disease 1; C9orf72 Frontotemporal Dementia and/or Amyotrophic Lateral Sclerosis. Identifiers: Orphanet 275872, MedGen C5779877, MONDO:0007105, OMIM 105550.

Allele frequency attached by ClinVar (database versions not stated): ExAC 0.00017; gnomAD exomes 0.00022 and 0.00033; ESP Exome Variant Server 0.00023; gnomAD 0.00036; TOPMed 0.00039.
gnomAD v4.1: 539 of 1,614,042 alleles (0.033%); highest among the groups gnomAD compares: Admixed American, 0.092%; no homozygotes.

Submissions (6):

CeGaT Center for Human Genetics Tuebingen
Classification: Likely benign. Last evaluated: 2026-07-01. Review status: criteria provided, single submitter. Criteria: CeGaT Center For Human Genetics Tuebingen Variant Classification Criteria Version 2. Collection method: clinical testing. Allele origin: germline. Affected: yes. Observed: 4 variant alleles.
Comment: SQSTM1: BP4, BP7

Labcorp Genetics (formerly Invitae), Labcorp
Classification: Likely benign for Paget disease of bone 2, early-onset; Frontotemporal dementia and/or amyotrophic lateral sclerosis 1. Last evaluated: 2026-01-25. Review status: criteria provided, single submitter. Criteria: Invitae Variant Classification Sherloc (09022015). Collection method: clinical testing. Allele origin: germline.

Blueprint Genetics
Classification: Likely benign. Last evaluated: 2024-11-19. Review status: criteria provided, single submitter. Criteria: ACMG Guidelines, 2015. Collection method: clinical testing. Allele origin: germline.

Mayo Clinic Laboratories, Mayo Clinic
Classification: Likely benign. Last evaluated: 2024-11-15. Review status: criteria provided, single submitter. Criteria: ACMG Guidelines, 2015. Collection method: clinical testing. Allele origin: germline. Observed: 3 variant alleles.
Comment: BP4, BP7

Clinical Genetics DNA and cytogenetics Diagnostics Lab, Erasmus MC, Erasmus Medical Center
Classification: Likely benign. Review status: no assertion criteria provided. Collection method: clinical testing. Allele origin: germline. Affected: yes. Study: VKGL Data-share Consensus. Not counted in ClinVar's aggregate classification.

Genome Diagnostics Laboratory, Amsterdam University Medical Center
Classification: Likely benign. Review status: no assertion criteria provided. Collection method: clinical testing. Allele origin: germline. Affected: yes. Study: VKGL Data-share Consensus. Not counted in ClinVar's aggregate classification.